The following is an entry in ClinVar:

NM_002769.5(PRSS1):c.161A>C (p.Asn54Thr)

Genes: PRSS1 (serine protease 1; plus strand), TRB (T cell receptor beta locus; plus strand). Cytogenetic location: 7q34.
Variant type: single nucleotide variant.
Coding change: c.161A>C on transcript NM_002769.5 (MANE Select); coding-DNA position 161, A replaced by C.
Protein change: p.Asn54Thr; replaces asparagine 54 with threonine.
Molecular consequence: missense variant. On other transcripts: non-coding transcript variant (4).
Genome position (GRCh38, 1-based): chr7:142,750,675, A>C. VCF-style: chr7-142750675-A-C. GRCh37 (hg19) VCF-style: chr7-142458526-A-C.
Other names: short protein forms N54T.
Identifiers: ClinVar variation 3939053 (VCV003939053.1).

ClinVar aggregate classification (germline): Uncertain significance (1 of 4 stars; one submission).

Conditions:
Hereditary pancreatitis (PCTT). Also called: Hereditary chronic pancreatitis; PRSS1-Related Hereditary Pancreatitis. Identifiers: Orphanet 676, MedGen C0238339, MONDO:0008185, OMIM 167800.

Submission:

Ambry Genetics
Classification: Uncertain significance for Hereditary pancreatitis. Last evaluated: 2025-05-18. Review status: criteria provided, single submitter. Criteria: Ambry Variant Classification Scheme 2023. Collection method: clinical testing. Allele origin: germline.
Comment: The p.N54T variant (also known as c.161A>C), located in coding exon 2 of the PRSS1 gene, results from an A to C substitution at nucleotide position 161. The asparagine at codon 54 is replaced by threonine, an amino acid with similar properties. This amino acid position is conserved. In addition, this alteration is predicted to be tolerated by in silico analysis. Based on the available evidence, the clinical significance of this variant remains unclear.